The following is an entry in ClinVar:

NM_018406.7(MUC4):c.12122C>T (p.Ala4041Val)

Genes: MUC4 (mucin 4, cell surface associated), LOC126806930 (BRD4-independent group 4 enhancer GRCh37_chr3:195505212-195506411). Cytogenetic location: 3q29.
Variant type: single nucleotide variant.
Coding change: c.12122C>T on transcript NM_018406.7 (MANE Select); coding-DNA position 12122, C replaced by T.
Protein change: p.Ala4041Val; replaces alanine 4041 with valine.
Molecular consequence: missense variant. On other transcripts: intron variant (2).
Genome position (GRCh38, 1-based): chr3:195,779,458, G>A on the plus strand (C>T on the coding strand, the complement: MUC4 is on the minus strand). VCF-style: chr3-195779458-G-A. GRCh37 (hg19) VCF-style: chr3-195506329-G-A.
Other names: c.83-5153C>T (NM_138297.5); c.83-1003C>T (NM_004532.6); short protein forms A4041V.
Identifiers: ClinVar variation 3898102 (VCV003898102.7).
Genomic context (GRCh38, chr3:195,779,458, plus strand): 5'-TGACCTGTGGATAATGAGGAAGCATTGGTGACAGGAAGAGGGGTGGTGTCACCTGTGGAT[G>A]CTGAGGAAGTGCTGGTGACAGGAACAGGGGTGGCGTGACCTGTGGATGCTGAGGAAGGGC-3'
Protein context (NP_060876.5, residues 4031-4051): TPVPVTSTSS[Ala4041Val]STGDTTPLPV

ClinVar aggregate classification (germline): Likely benign (1 of 4 stars; one submission).

Submission:

CeGaT Center for Human Genetics Tuebingen
Classification: Likely benign. Last evaluated: 2025-04-01. Review status: criteria provided, single submitter. Criteria: CeGaT Center For Human Genetics Tuebingen Variant Classification Criteria Version 2. Collection method: clinical testing. Allele origin: germline. Affected: yes. Observed: 1 variant allele.
Comment: MUC4: BS2